The following is an entry in ClinVar:

ClinVar aggregate classification (germline): Uncertain significance. Review status: criteria provided, multiple submitters, no conflicts (2 of 4 stars). 2 submissions from 2 submitters: Uncertain significance (2). Last evaluated 2026-01-06.

Conditions:
Cardiovascular phenotype. Identifiers: MedGen CN230736.

gnomAD v4.1: 5 of 1,614,148 alleles (0.00031%); highest among the groups gnomAD compares: Admixed American, 0.0017%; no homozygotes.

Submissions (2):

GeneDx
Classification: Uncertain significance. Last evaluated: 2026-01-06. Review status: criteria provided, single submitter. Criteria: GeneDx Variant Classification Process June 2021. Collection method: clinical testing. Allele origin: germline.
Comment: Not observed at significant frequency in large population cohorts (gnomAD); In silico analysis suggests that this missense variant does not alter protein structure/function; Has not been previously published as pathogenic or benign to our knowledge

Ambry Genetics
Classification: Uncertain significance for Cardiovascular phenotype. Last evaluated: 2021-12-23. Review status: criteria provided, single submitter. Criteria: Ambry Variant Classification Scheme 2023. Collection method: clinical testing. Allele origin: germline.
Comment: The p.I1263M variant (also known as c.3789A>G), located in coding exon 18 of the MYPN gene, results from an A to G substitution at nucleotide position 3789. The isoleucine at codon 1263 is replaced by methionine, an amino acid with highly similar properties. This amino acid position is conserved. In addition, this alteration is predicted to be deleterious by in silico analysis. Since supporting evidence is limited at this time, the clinical significance of this alteration remains unclear.

NM_032578.4(MYPN):c.3789A>G (p.Ile1263Met)

Gene: MYPN (myopalladin; plus strand). Cytogenetic location: 10q21.3.
Variant type: single nucleotide variant.
Coding change: c.3789A>G on transcript NM_032578.4 (MANE Select); coding-DNA position 3789, A replaced by G.
Protein change: p.Ile1263Met; replaces isoleucine 1263 with methionine.
Molecular consequence: missense variant. On other transcripts: non-coding transcript variant (2).
Genome position (GRCh38, 1-based): chr10:68,206,899, A>G. VCF-style: chr10-68206899-A-G. GRCh37 (hg19) VCF-style: chr10-69966656-A-G.
Other names: c.3789A>G, p.Ile1263Met (NM_001256267.2); c.2907A>G, p.Ile969Met (NM_001256268.2); short protein forms I969M, I1263M.
Identifiers: ClinVar variation 1734903 (VCV001734903.4), dbSNP rs756126179, ClinGen allele CA376829217.